The following is an entry in ClinVar:

NM_001283009.2(RTEL1):c.3379C>T (p.Arg1127Cys)

Genes: RTEL1 (regulator of telomere elongation helicase 1; plus strand), RTEL1-TNFRSF6B (RTEL1-TNFRSF6B readthrough (NMD candidate); plus strand). Cytogenetic location: 20q13.33.
Variant type: single nucleotide variant.
Coding change: c.3379C>T on transcript NM_001283009.2 (MANE Select); coding-DNA position 3379, C replaced by T.
Protein change: p.Arg1127Cys; replaces arginine 1127 with cysteine.
Molecular consequence: missense variant. On other transcripts: non-coding transcript variant (1).
Genome position (GRCh38, 1-based): chr20:63,695,101, C>T. VCF-style: chr20-63695101-C-T. GRCh37 (hg19) VCF-style: chr20-62326454-C-T.
Other names: c.2710C>T, p.Arg904Cys (NM_001283010.1); c.3379C>T, p.Arg1127Cys (NM_016434.4); c.3451C>T, p.Arg1151Cys (NM_032957.5); short protein forms R904C, R1127C, R1151C.
Identifiers: ClinVar variation 1434924 (VCV001434924.6), dbSNP rs745614952, ClinGen allele CA9966007.

ClinVar aggregate classification (germline): Uncertain significance. Review status: criteria provided, multiple submitters, no conflicts (2 of 4 stars). 2 submissions from 2 submitters: Uncertain significance (2). Last evaluated 2025-01-31.

Conditions:
Pulmonary fibrosis and/or bone marrow failure, Telomere-related, 3. Also called: PULMONARY FIBROSIS AND/OR BONE MARROW FAILURE SYNDROME, TELOMERE-RELATED, 3. Identifiers: Orphanet 2032, MedGen C4225346, MONDO:0014613, OMIM 616373.
Dyskeratosis congenita, autosomal recessive 5 (DKCB5). Identifiers: MedGen C3554656, MONDO:0014076, OMIM 615190.
Inborn genetic diseases. Identifiers: MedGen C0950123, MeSH D030342.

Allele frequency attached by ClinVar (database versions not stated): gnomAD exomes below 0.00001 and 0.00001; TOPMed below 0.00001; ExAC 0.00001; gnomAD 0.00001.
gnomAD v4.1: 9 of 1,612,212 alleles (0.00056%); highest among the groups gnomAD compares: African/African-American, 0.0027%; no homozygotes.

Submissions (2):

Ambry Genetics
Classification: Uncertain significance for Inborn genetic diseases. Last evaluated: 2025-01-31. Review status: criteria provided, single submitter. Criteria: Ambry Variant Classification Scheme 2023. Collection method: clinical testing. Allele origin: germline.
Comment: The p.R1127C variant (also known as c.3379C>T), located in coding exon 32 of the RTEL1 gene, results from a C to T substitution at nucleotide position 3379. The arginine at codon 1127 is replaced by cysteine, an amino acid with highly dissimilar properties. This amino acid position is conserved. In addition, the in silico prediction for this alteration is inconclusive. Based on the available evidence, the clinical significance of this variant remains unclear.

Labcorp Genetics (formerly Invitae), Labcorp
Classification: Uncertain significance for Dyskeratosis congenita, autosomal recessive 5; Pulmonary fibrosis and/or bone marrow failure, Telomere-related, 3. Last evaluated: 2022-07-15. Review status: criteria provided, single submitter. Criteria: Invitae Variant Classification Sherloc (09022015). Collection method: clinical testing. Allele origin: germline.
Comment: This sequence change replaces arginine, which is basic and polar, with cysteine, which is neutral and slightly polar, at codon 1127 of the RTEL1 protein (p.Arg1127Cys). This variant is present in population databases (rs745614952, gnomAD 0.002%). This variant has not been reported in the literature in individuals affected with RTEL1-related conditions. ClinVar contains an entry for this variant (Variation ID: 1434924). Algorithms developed to predict the effect of missense changes on protein structure and function are either unavailable or do not agree on the potential impact of this missense change (SIFT: "Deleterious"; PolyPhen-2: "Benign"; Align-GVGD: "Class C0"). Algorithms developed to predict the effect of sequence changes on RNA splicing suggest that this variant may create or strengthen a splice site. In summary, the available evidence is currently insufficient to determine the role of this variant in disease. Therefore, it has been classified as a Variant of Uncertain Significance.